The following is an entry in ClinVar:

NM_005359.6(SMAD4):c.777T>C (p.Thr259=)

Gene: SMAD4 (SMAD family member 4; plus strand). Cytogenetic location: 18q21.2.
Variant type: single nucleotide variant.
Coding change: c.777T>C on transcript NM_005359.6 (MANE Select); coding-DNA position 777, T replaced by C.
Protein change: p.Thr259=; no amino-acid change (threonine 259 retained).
Molecular consequence: synonymous variant.
Genome position (GRCh38, 1-based): chr18:51,058,234, T>C. VCF-style: chr18-51058234-T-C. GRCh37 (hg19) VCF-style: chr18-48584604-T-C.
Identifiers: ClinVar variation 484826 (VCV000484826.6), dbSNP rs1555685935, ClinGen allele CA503994031.

ClinVar aggregate classification (germline): Benign/Likely benign. Review status: criteria provided, multiple submitters, no conflicts (2 of 4 stars). 2 submissions from 2 submitters: Benign (1); Likely benign (1). Last evaluated 2025-03-19.

Conditions:
Hereditary cancer-predisposing syndrome. Also called: Hereditary neoplastic syndrome; Tumor predisposition; Neoplastic Syndromes, Hereditary; Hereditary Cancer Syndrome. Identifiers: Orphanet 140162, MedGen C0027672, MeSH D009386, MONDO:0015356.
Familial thoracic aortic aneurysm and aortic dissection (TAAD). Also called: Thoracic aortic aneurysms and dissections. Identifiers: Orphanet 91387, MedGen C4707243, MONDO:0019625.
Juvenile polyposis/hereditary hemorrhagic telangiectasia syndrome (JPHT). Also called: Juvenile Polyposis Syndrome / Hereditary Hemorrhagic Telangiectasia (JPS/HHT); JP/HHT SYNDROME; JUVENILE POLYPOSIS WITH HEREDITARY HEMORRHAGIC TELANGIECTASIA; POLYPOSIS, GENERALIZED JUVENILE, WITH PULMONARY ARTERIOVENOUS MALFORMATION; TELANGIECTASIA, HEREDITARY HEMORRHAGIC, WITH JUVENILE POLYPOSIS COLI. Identifiers: Orphanet 2929, MedGen C1832942, MONDO:0008278, OMIM 175050.

Allele frequency attached by ClinVar (database versions not stated): TOPMed below 0.00001.

Submissions (2):

Myriad Genetics, Inc.
Classification: Benign for Juvenile polyposis/hereditary hemorrhagic telangiectasia syndrome. Last evaluated: 2025-03-19. Review status: criteria provided, single submitter. Criteria: Myriad Autosomal Dominant, Autosomal Recessive and X-Linked Classification Criteria (2023). Collection method: clinical testing. Allele origin: unknown.
Comment: This variant is considered benign. This variant is a silent/synonymous amino acid change and it is not expected to impact splicing.

Ambry Genetics
Classification: Likely benign for Hereditary cancer-predisposing syndrome; Familial thoracic aortic aneurysm and aortic dissection. Last evaluated: 2017-06-05. Review status: criteria provided, single submitter. Criteria: Ambry Variant Classification Scheme 2023. Collection method: clinical testing. Allele origin: germline.